The following is an entry in ClinVar:

NM_001174147.2(LMX1B):c.140-2A>T

Gene: LMX1B (LIM homeobox transcription factor 1 beta; plus strand). Cytogenetic location: 9q33.3.
Variant type: single nucleotide variant.
Coding change: c.140-2A>T on transcript NM_001174147.2 (MANE Select); the canonical splice acceptor site of the intron before coding-DNA position 140, A replaced by T.
Molecular consequence: splice acceptor variant.
Genome position (GRCh38, 1-based): chr9:126,615,381, A>T. VCF-style: chr9-126615381-A-T. GRCh37 (hg19) VCF-style: chr9-129377660-A-T.
Other names: c.140-2A>T (NM_001174146.2, NM_002316.4).
Identifiers: ClinVar variation 3660991 (VCV003660991.2).

ClinVar aggregate classification (germline): Pathogenic (1 of 4 stars; one submission).

Submission:

Labcorp Genetics (formerly Invitae), Labcorp
Classification: Pathogenic. Last evaluated: 2024-07-31. Review status: criteria provided, single submitter. Criteria: Invitae Variant Classification Sherloc (09022015). Collection method: clinical testing. Allele origin: germline.
Comment: This sequence change affects an acceptor splice site in intron 1 of the LMX1B gene. It is expected to disrupt RNA splicing. Variants that disrupt the donor or acceptor splice site typically lead to a loss of protein function (PMID: 16199547), and loss-of-function variants in LMX1B are known to be pathogenic (PMID: 9590287, 15498463). This variant is not present in population databases (gnomAD no frequency). Disruption of this splice site has been observed in individuals with nail-patella syndrome (PMID: 9837817, 10571942, 19194568). Algorithms developed to predict the effect of sequence changes on RNA splicing suggest that this variant may disrupt the consensus splice site. For these reasons, this variant has been classified as Pathogenic.

Literature cited by the submitters: PubMed 16199547; PubMed 9590287; PubMed 15498463; PubMed 9837817; PubMed 10571942; PubMed 19194568.